The following is an entry in ClinVar:

NM_000051.4(ATM):c.8000dup (p.Met2667fs)

Genes: ATM (ATM serine/threonine kinase; plus strand), C11orf65 (chromosome 11 open reading frame 65; minus strand). Cytogenetic location: 11q22.3.
Variant type: Duplication.
Coding change: c.8000dup on transcript NM_000051.4 (MANE Select); coding-DNA position 8000, one base duplicated (T; older notation c.8000dupT).
Protein change: p.Met2667fs; shifts the reading frame from methionine 2667.
Molecular consequence: frameshift variant. On other transcripts: intron variant (2).
Genome position (GRCh38, 1-based): chr11:108,333,958, T duplicated. VCF-style (leftmost placement, unchanged base first): chr11-108333957-A-AT. GRCh37 (hg19) VCF-style: chr11-108204684-A-AT.
Other names: c.8000dup, p.Met2667fs (NM_001351834.2); c.641-24887dup (NM_001330368.2); c.*38+1262dup (NM_001351110.2); short protein forms M2667fs.
Identifiers: ClinVar variation 2774723 (VCV002774723.1), dbSNP rs2547315697, ClinGen allele CA2697558878.
Genomic context (GRCh38, chr11:108,333,957, plus strand): 5'-ATTCCAGCAGACCAGCCAATTACTAAACTTAAGAATTTAGAAGATGTTGTTGTCCCTACT[A>AT]TGGAAATTAAGGTAATTTGCAATTAACTCTTGATTTTTTTTAAACTAAATTTTTTTTATT-3'

ClinVar aggregate classification (germline): Pathogenic (1 of 4 stars; one submission).

Conditions:
Hereditary cancer-predisposing syndrome. Also called: Tumor predisposition; Neoplastic Syndromes, Hereditary; Hereditary Cancer Syndrome; Hereditary neoplastic syndrome. Identifiers: Orphanet 140162, MedGen C0027672, MeSH D009386, MONDO:0015356.

Submission:

Color Diagnostics, LLC DBA Color Health
Classification: Pathogenic for Hereditary cancer-predisposing syndrome. Last evaluated: 2022-03-21. Review status: criteria provided, single submitter. Criteria: ACMG Guidelines, 2015. Collection method: clinical testing. Allele origin: germline.
Comment: This variant inserts 1 nucleotide in exon 54 of the ATM gene, creating a frameshift and premature translation stop signal. This variant is expected to result in an absent or non-functional protein product. To our knowledge, this variant has not been reported in individuals affected with hereditary cancer in the literature. This variant has not been identified in the general population by the Genome Aggregation Database (gnomAD). Loss of ATM function is a known mechanism of disease. Based on the available evidence, this variant is classified as Pathogenic.